The following is an entry in ClinVar:

NM_013352.4(DSE):c.844A>G (p.Ile282Val)

Gene: DSE (dermatan sulfate epimerase; plus strand). Cytogenetic location: 6q22.1.
Variant type: single nucleotide variant.
Coding change: c.844A>G on transcript NM_013352.4 (MANE Select); coding-DNA position 844, A replaced by G.
Protein change: p.Ile282Val; replaces isoleucine 282 with valine.
Molecular consequence: missense variant. On other transcripts: non-coding transcript variant (1), intron variant (3).
Genome position (GRCh38, 1-based): chr6:116,431,127, A>G. VCF-style: chr6-116431127-A-G. GRCh37 (hg19) VCF-style: chr6-116752290-A-G.
Other names: p.Ile282Val; c.844A>G, p.Ile282Val (NM_001080976.3, NM_001322937.2, NM_001322938.2 and 2 more transcripts); c.901A>G, p.Ile301Val (NM_001322939.2); c.283A>G, p.Ile95Val (NM_001322940.2, NM_001322941.2); c.-90+70A>G (NM_001374520.1); c.83+4300A>G (NM_001374521.1); c.670+4300A>G (NM_001322943.2); short protein forms I282V, I301V, I95V.
Identifiers: ClinVar variation 384816 (VCV000384816.16), dbSNP rs34994230, ClinGen allele CA3969578.

ClinVar aggregate classification (germline): Benign/Likely benign. Review status: criteria provided, multiple submitters, no conflicts (2 of 4 stars). 6 submissions from 6 submitters: Benign (5); Likely benign (1). Last evaluated 2026-02-04.

Conditions:
Ehlers-Danlos syndrome, musculocontractural type 2 (EDSMC2). Identifiers: Orphanet 2953, MedGen C3809845, MONDO:0014236, OMIM 615539.
Ehlers-Danlos syndrome (EDS). Identifiers: Orphanet 98249, MedGen C0013720, MONDO:0020066.

Allele frequency attached by ClinVar (database versions not stated): 1000 Genomes Project 0.01378; 1000 Genomes Project 30x 0.01437; TOPMed 0.02432; gnomAD 0.02770 and 0.02817; ExAC 0.02896; gnomAD exomes 0.02920 and 0.03735; ESP Exome Variant Server 0.03045.
gnomAD v4.1: 58,680 of 1,614,160 alleles (3.6%); highest among the groups gnomAD compares: Middle Eastern, 4.3%; 1,293 homozygotes.

Submissions (6):

Labcorp Genetics (formerly Invitae), Labcorp
Classification: Benign for Ehlers-Danlos syndrome, musculocontractural type 2. Last evaluated: 2026-02-04. Review status: criteria provided, single submitter. Criteria: Invitae Variant Classification Sherloc (09022015). Collection method: clinical testing. Allele origin: germline.

Women's Health and Genetics/Laboratory Corporation of America, LabCorp
Classification: Likely benign. Last evaluated: 2026-01-22. Review status: criteria provided, single submitter. Criteria: LabCorp Variant Classification Summary - May 2015. Collection method: clinical testing. Allele origin: germline.

Blueprint Genetics
Classification: Benign. Last evaluated: 2024-11-26. Review status: criteria provided, single submitter. Criteria: ACMG Guidelines, 2015. Collection method: clinical testing. Allele origin: germline.

Mayo Clinic Laboratories, Mayo Clinic
Classification: Benign. Last evaluated: 2023-01-23. Review status: criteria provided, single submitter. Criteria: ACMG Guidelines, 2015. Collection method: clinical testing. Allele origin: germline. Observed: 241 variant alleles.

Genome Diagnostics Laboratory, The Hospital for Sick Children
Classification: Benign for Ehlers-Danlos syndrome. Last evaluated: 2022-04-29. Review status: criteria provided, single submitter. Criteria: ACMG Guidelines, 2015. Collection method: clinical testing. Allele origin: germline.

GeneDx
Classification: Benign. Last evaluated: 2016-10-05. Review status: criteria provided, single submitter. Criteria: GeneDx Variant Classification (06012015). Collection method: clinical testing. Allele origin: germline. Affected: yes.
Comment: This variant is considered likely benign or benign based on one or more of the following criteria: it is a conservative change, it occurs at a poorly conserved position in the protein, it is predicted to be benign by multiple in silico algorithms, and/or has population frequency not consistent with disease.